The following is an entry in ClinVar:

ClinVar aggregate classification (germline): Uncertain significance (1 of 4 stars; one submission).

Conditions:
MFN2-related disorder. Also called: MFN2-related condition; MFN2-related disorders.

gnomAD v4.1: 1 of 1,614,168 alleles (0.000062%); highest among the groups gnomAD compares: Admixed American, 0.0017%; no homozygotes.

Submission:

3billion
Classification: Uncertain significance for MFN2-related disorder. Last evaluated: 2025-05-19. Review status: criteria provided, single submitter. Criteria: ACMG Guidelines, 2015. Collection method: clinical testing. Allele origin: germline. Affected: yes.
Comment: The variant is observed at an extremely low frequency in the gnomAD v4.1.0 dataset (total allele frequency: <0.001%). Predicted Consequence/Location: Missense variant In silico tools predict the variant to alter splicing and produce an abnormal transcript [SpliceAI: 0.96 (>=0.2, moderate evidence for spliceogenicity)]. Therefore, this variant is classified as VUS according to the recommendation of ACMG/AMP guideline.

NM_014874.4(MFN2):c.1661A>G (p.Asn554Ser)

Genes: MFN2 (mitofusin 2; plus strand), LOC129929426 (ATAC-STARR-seq lymphoblastoid active region 185; plus strand). Cytogenetic location: 1p36.22.
Variant type: single nucleotide variant.
Coding change: c.1661A>G on transcript NM_014874.4 (MANE Select); coding-DNA position 1661, A replaced by G.
Protein change: p.Asn554Ser; replaces asparagine 554 with serine.
Molecular consequence: missense variant.
Genome position (GRCh38, 1-based): chr1:12,005,876, A>G. VCF-style: chr1-12005876-A-G. GRCh37 (hg19) VCF-style: chr1-12065933-A-G.
Other names: c.1661A>G, p.Asn554Ser (NM_001127660.2); short protein forms N554S.
Identifiers: ClinVar variation 4853965 (VCV004853965.1).